The following is an entry in ClinVar:

ClinVar aggregate classification (germline): Uncertain significance (1 of 4 stars; one submission).

Allele frequency attached by ClinVar (database versions not stated): gnomAD exomes 0.00001 and 0.00005; gnomAD 0.00006 and 0.00007; ExAC 0.00007; TOPMed 0.00008; 1000 Genomes Project 0.00040; ESP Exome Variant Server 0.00015; 1000 Genomes Project 30x 0.00031.
gnomAD v4.1: 21 of 1,614,146 alleles (0.0013%); highest among the groups gnomAD compares: African/African-American, 0.021%; no homozygotes.

Submission:

Labcorp Genetics (formerly Invitae), Labcorp
Classification: Uncertain significance. Last evaluated: 2024-05-31. Review status: criteria provided, single submitter. Criteria: Invitae Variant Classification Sherloc (09022015). Collection method: clinical testing. Allele origin: germline.
Comment: This sequence change replaces tyrosine, which is neutral and polar, with histidine, which is basic and polar, at codon 218 of the KCNJ13 protein (p.Tyr218His). This variant is present in population databases (rs139594245, gnomAD 0.03%). This variant has not been reported in the literature in individuals affected with KCNJ13-related conditions. ClinVar contains an entry for this variant (Variation ID: 1043797). Advanced modeling of protein sequence and biophysical properties (such as structural, functional, and spatial information, amino acid conservation, physicochemical variation, residue mobility, and thermodynamic stability) performed at Invitae indicates that this missense variant is not expected to disrupt KCNJ13 protein function with a negative predictive value of 80%. In summary, the available evidence is currently insufficient to determine the role of this variant in disease. Therefore, it has been classified as a Variant of Uncertain Significance.

NM_002242.4(KCNJ13):c.652T>C (p.Tyr218His)

Genes: GIGYF2 (GRB10 interacting GYF protein 2; plus strand), KCNJ13 (potassium inwardly rectifying channel subfamily J member 13; minus strand). Cytogenetic location: 2q37.1.
Variant type: single nucleotide variant.
Coding change: c.652T>C on transcript NM_002242.4 (MANE Select); coding-DNA position 652, T replaced by C.
Protein change: p.Tyr218His; replaces tyrosine 218 with histidine.
Molecular consequence: missense variant. On other transcripts: 3 prime UTR variant (1), intron variant (4).
Genome position (GRCh38, 1-based): chr2:232,768,622, A>G on the plus strand (T>C on the coding strand, the complement: KCNJ13 is on the minus strand). VCF-style: chr2-232768622-A-G. GRCh37 (hg19) VCF-style: chr2-233633332-A-G.
Other names: c.*131T>C (NM_001172416.1); c.412T>C, p.Tyr138His (NM_001172417.1); c.532+7186A>G (NM_001103146.3, NM_015575.4, NM_001103147.2 and 1 more transcripts); short protein forms Y138H, Y218H.
Identifiers: ClinVar variation 1043797 (VCV001043797.7), dbSNP rs139594245, ClinGen allele CA2170002.